The following is an entry in ClinVar:

NM_001330260.2(SCN8A):c.1973A>G (p.His658Arg)

Gene: SCN8A (sodium voltage-gated channel alpha subunit 8; plus strand). Cytogenetic location: 12q13.13.
Variant type: single nucleotide variant.
Coding change: c.1973A>G on transcript NM_001330260.2 (MANE Select); coding-DNA position 1973, A replaced by G.
Protein change: p.His658Arg; replaces histidine 658 with arginine.
Molecular consequence: missense variant.
Genome position (GRCh38, 1-based): chr12:51,721,883, A>G. VCF-style: chr12-51721883-A-G. GRCh37 (hg19) VCF-style: chr12-52115667-A-G.
Other names: c.1973A>G, p.His658Arg (NM_001177984.3, NM_001369788.1, NM_014191.4); short protein forms H658R.
Identifiers: ClinVar variation 2910052 (VCV002910052.22), dbSNP rs2540204577, ClinGen allele CA385229969.

ClinVar aggregate classification (germline): Uncertain significance. Review status: criteria provided, multiple submitters, no conflicts (2 of 4 stars). 2 submissions from 2 submitters: Uncertain significance (2). Last evaluated 2024-05-01.

Conditions:
Early-infantile DEE. Also called: Early infantile epileptic encephalopathy with suppression bursts; Early infantile epileptic encephalopathy; Ohtahara syndrome. Identifiers: Orphanet 1934, MedGen C0393706, MONDO:0800491.

Allele frequency attached by ClinVar (database versions not stated): gnomAD exomes below 0.00001.
gnomAD v4.1: 3 of 1,601,248 alleles (0.00019%); highest among the groups gnomAD compares: Non-Finnish European, 0.00025%; no homozygotes.

Submissions (2):

CeGaT Center for Human Genetics Tuebingen
Classification: Uncertain significance. Last evaluated: 2024-05-01. Review status: criteria provided, single submitter. Criteria: CeGaT Center For Human Genetics Tuebingen Variant Classification Criteria Version 2. Collection method: clinical testing. Allele origin: germline. Affected: yes. Observed: 1 variant allele.
Comment: SCN8A: PM2, BP4

Labcorp Genetics (formerly Invitae), Labcorp
Classification: Uncertain significance for Early-infantile DEE. Last evaluated: 2023-09-08. Review status: criteria provided, single submitter. Criteria: Invitae Variant Classification Sherloc (09022015). Collection method: clinical testing. Allele origin: germline.
Comment: In summary, the available evidence is currently insufficient to determine the role of this variant in disease. Therefore, it has been classified as a Variant of Uncertain Significance. This sequence change replaces histidine, which is basic and polar, with arginine, which is basic and polar, at codon 658 of the SCN8A protein (p.His658Arg). This variant is not present in population databases (gnomAD no frequency). This variant has not been reported in the literature in individuals affected with SCN8A-related conditions. Advanced modeling of protein sequence and biophysical properties (such as structural, functional, and spatial information, amino acid conservation, physicochemical variation, residue mobility, and thermodynamic stability) performed at Invitae indicates that this missense variant is not expected to disrupt SCN8A protein function.